The following is an entry in ClinVar:

ClinVar aggregate classification (germline): Uncertain significance. Review status: criteria provided, multiple submitters, no conflicts (2 of 4 stars). 7 submissions from 7 submitters: Uncertain significance (7). Last evaluated 2026-05-04.

Conditions:
Inborn genetic diseases. Identifiers: MedGen C0950123, MeSH D030342.
PKD1-related disorder. Also called: PKD1-related condition.
Polycystic kidney disease, adult type (PKD1). Also called: POLYCYSTIC KIDNEY DISEASE 1 WITH OR WITHOUT POLYCYSTIC LIVER DISEASE; POLYCYSTIC KIDNEY DISEASE, ADULT, TYPE I; Polycystic Kidney, Autosomal Dominant; Polycystic Kidney Disease 1, Autosomal Dominant; Polycystic kidney disease 1; Polycystic kidney disease 1, severe. Identifiers: MedGen C3149841, MONDO:0008263, OMIM 173900.

Allele frequency attached by ClinVar (database versions not stated): ExAC 0.00007; gnomAD 0.00009; ESP Exome Variant Server 0.00015; TOPMed 0.00015.
gnomAD v4.1: 161 of 1,612,714 alleles (0.01%); highest among the groups gnomAD compares: Non-Finnish European, 0.012%; no homozygotes.

Submissions (7):

Women's Health and Genetics/Laboratory Corporation of America, LabCorp
Classification: Uncertain significance. Last evaluated: 2026-05-04. Review status: criteria provided, single submitter. Criteria: LabCorp Variant Classification Summary - May 2015. Collection method: clinical testing. Allele origin: germline.
Comment: Variant summary: PKD1 c.10391C>T (p.Ser3464Phe) results in a non-conservative amino acid change in the encoded protein sequence. Algorithms developed to predict the effect of missense changes on protein structure and function are either unavailable or do not agree on the potential impact of this missense change. The variant allele was found at a frequency of 6.9e-05 in 247914 control chromosomes. This frequency is not significantly higher than estimated for disease-causing variants in PKD1, allowing no conclusion about variant significance. To our knowledge, no occurrence of c.10391C>T in individuals affected with PKD1-related conditions and no experimental evidence demonstrating its impact on protein function have been reported. ClinVar contains an entry for this variant (Variation ID: 1723767). Based on the evidence outlined above, the variant was classified as uncertain significance.

PreventionGenetics, part of Exact Sciences
Classification: Uncertain significance for PKD1-related condition. Last evaluated: 2026-02-09. Review status: criteria provided, single submitter. Criteria: ACMG Guidelines, 2015. Collection method: clinical testing. Allele origin: germline.
Comment: The PKD1 c.10391C>T variant is predicted to result in the amino acid substitution p.Ser3464Phe. To our knowledge, this variant has not been reported in the literature. This variant is reported in 0.012% of alleles in individuals of European (Non-Finnish) descent in gnomAD. Although we suspect that this variant may be benign, at this time, the clinical significance of this variant is uncertain due to the absence of conclusive functional and genetic evidence.

Ambry Genetics
Classification: Uncertain significance for Inborn genetic diseases. Last evaluated: 2025-02-06. Review status: criteria provided, single submitter. Criteria: Ambry Variant Classification Scheme 2023. Collection method: clinical testing. Allele origin: germline.

Blueprint Genetics
Classification: Uncertain significance. Last evaluated: 2024-11-27. Review status: criteria provided, single submitter. Criteria: ACMG Guidelines, 2015. Collection method: clinical testing. Allele origin: germline.

Fulgent Genetics
Classification: Uncertain significance for Polycystic kidney disease, adult type. Last evaluated: 2024-04-23. Review status: criteria provided, single submitter. Criteria: ACMG Guidelines, 2015. Collection method: clinical testing. Allele origin: germline.

GeneDx
Classification: Uncertain significance. Last evaluated: 2022-05-09. Review status: criteria provided, single submitter. Criteria: GeneDx Variant Classification Process June 2021. Collection method: clinical testing. Allele origin: germline. Affected: yes.
Comment: In silico analysis supports that this missense variant does not alter protein structure/function; Has not been previously published as pathogenic or benign to our knowledge

Department of Pathology and Laboratory Medicine, Sinai Health System
Classification: Uncertain significance for Polycystic kidney disease, adult type. Last evaluated: 2020-01-30. Review status: criteria provided, single submitter. Criteria: ACMG Guidelines, 2015. Collection method: clinical testing. Allele origin: germline. Affected: yes.

NM_001009944.3(PKD1):c.10391C>T (p.Ser3464Phe)

Gene: PKD1 (polycystin 1, transient receptor potential channel interacting; minus strand). Cytogenetic location: 16p13.3.
Variant type: single nucleotide variant.
Coding change: c.10391C>T on transcript NM_001009944.3 (MANE Select); coding-DNA position 10391, C replaced by T.
Protein change: p.Ser3464Phe; replaces serine 3464 with phenylalanine.
Molecular consequence: missense variant.
Genome position (GRCh38, 1-based): chr16:2,097,333, G>A on the plus strand (C>T on the coding strand, the complement: PKD1 is on the minus strand). VCF-style: chr16-2097333-G-A. GRCh37 (hg19) VCF-style: chr16-2147334-G-A.
Other names: c.10388C>T, p.Ser3463Phe (NM_000296.4); c.10388C>T (NM_000296.3); short protein forms S3463F, S3464F.
Identifiers: ClinVar variation 1723767 (VCV001723767.10), dbSNP rs375501810, ClinGen allele CA7829627.